The following is an entry in ClinVar:

ClinVar aggregate classification (germline): Uncertain significance (1 of 4 stars; one submission).

Submission:

Clinical Genomics Laboratory, Laboratory for Precision Diagnostics, University of Washington
Classification: Uncertain significance. Last evaluated: 2026-02-08. Review status: criteria provided, single submitter. Criteria: ACMG/ClinGen CNV Guidelines, 2019. Collection method: clinical testing. Allele origin: paternal. Affected: yes. Observed: 1 variant allele, 1 mosaic individual.
Comment: This interstitial duplication is approximately 330 kb in size. The proximal breakpoint falls within the 5' region of some transcript variants of TACC1 (OMIM 605301), though upstream of the MANE variant (NM_006283.3). Thus, the first few coding exons of some transcript variants of TACC1 are duplicated. The distal breakpoint likely falls between intron 13 and exon 18 of FGFR1 (OMIM 136350), such that a minimum of exons 1-13 are duplicated. This duplication is estimated to be present in 90-100% of the cells, possibly mosaic, and may be a germline or somatic finding. FGFR1::TACC1 (Exon 17::Exon7) fusions have been recurrently reported in a wide range of neoplasms, including pilocytic astrocytomas, pediatric low-grade gliomas (pLGG) and extraventricular neurocytomas. Although the exact genomic rearrangements that result into this fusion gene is not well established, an inverted duplication in this region is suggested to cause this fusion gene.

Literature cited by the submitters: PubMed 27852792; PubMed 32859279; PubMed 29978331; PubMed 22837387; PubMed 40085227; PubMed 32164789.

GRCh38/hg38 8p11.23-11.22(chr8:38415024-38744805)x3

Genes: TACC1 (transforming acidic coiled-coil containing protein 1; plus strand), FGFR1 (fibroblast growth factor receptor 1; minus strand), LINC03042 (long independently transcribed non-coding RNA 3042; minus strand), LOC124153148 (Sharpr-MPRA regulatory region 511; plus strand), LOC130000230 (ATAC-STARR-seq lymphoblastoid silent region 19127; plus strand) and 11 more. Cytogenetic location: 8p11.23-11.22.
Variant type: copy number gain.
Change: copy number 3 (three copies instead of two) of chr8:38,415,024-38,744,805 (329.8 kb, GRCh38 coordinates, 1-based), cytogenetic band 8p11.23-11.22.
Identifiers: ClinVar variation 5038299 (VCV005038299.1).